The following is an entry in ClinVar:

ClinVar aggregate classification (germline): Uncertain significance. Review status: criteria provided, multiple submitters, no conflicts (2 of 4 stars). 2 submissions from 2 submitters: Uncertain significance (2). Last evaluated 2019-10-08.

Conditions:
Inborn genetic diseases. Identifiers: MedGen C0950123, MeSH D030342.
Developmental and epileptic encephalopathy, 33 (DEE33). Also called: Epileptic encephalopathy, early infantile, 33. Identifiers: Orphanet 442835, MedGen C4225337, MONDO:0014625, OMIM 616409.

Allele frequency attached by ClinVar (database versions not stated): gnomAD exomes below 0.00001.
gnomAD v4.1: 2 of 1,612,752 alleles (0.00012%); highest among the groups gnomAD compares: Non-Finnish European, 0.00017%; no homozygotes.

Submissions (2):

Labcorp Genetics (formerly Invitae), Labcorp
Classification: Uncertain significance for Developmental and epileptic encephalopathy, 33. Last evaluated: 2019-10-08. Review status: criteria provided, single submitter. Criteria: Invitae Variant Classification Sherloc (09022015). Collection method: clinical testing. Allele origin: germline.
Comment: This sequence change replaces lysine with arginine at codon 179 of the EEF1A2 protein (p.Lys179Arg). The lysine residue is highly conserved and there is a small physicochemical difference between lysine and arginine. This variant is not present in population databases (ExAC no frequency). This variant has not been reported in the literature in individuals with EEF1A2-related conditions. Algorithms developed to predict the effect of missense changes on protein structure and function are either unavailable or do not agree on the potential impact of this missense change (SIFT: "Deleterious"; PolyPhen-2: "Benign"; Align-GVGD: "Class C25"). In summary, the available evidence is currently insufficient to determine the role of this variant in disease. Therefore, it has been classified as a Variant of Uncertain Significance.

Ambry Genetics
Classification: Uncertain significance for Inborn genetic diseases. Last evaluated: 2019-01-14. Review status: criteria provided, single submitter. Criteria: Ambry Variant Classification Scheme 2023. Collection method: clinical testing. Allele origin: germline.
Comment: The p.K179R variant (also known as c.536A>G), located in coding exon 3 of the EEF1A2 gene, results from an A to G substitution at nucleotide position 536. The lysine at codon 179 is replaced by arginine, an amino acid with highly similar properties. This amino acid position is highly conserved in available vertebrate species. In addition, this alteration is predicted to be tolerated by in silico analysis. Since supporting evidence is limited at this time, the clinical significance of this alteration remains unclear.

NM_001958.5(EEF1A2):c.536A>G (p.Lys179Arg)

Genes: EEF1A2 (eukaryotic translation elongation factor 1 alpha 2; minus strand), LOC132090595 (Neanderthal introgressed variant-containing enhancer experimental_60987; plus strand). Cytogenetic location: 20q13.33.
Variant type: single nucleotide variant.
Coding change: c.536A>G on transcript NM_001958.5 (MANE Select); coding-DNA position 536, A replaced by G.
Protein change: p.Lys179Arg; replaces lysine 179 with arginine.
Molecular consequence: missense variant.
Genome position (GRCh38, 1-based): chr20:63,494,890, T>C on the plus strand (A>G on the coding strand, the complement: EEF1A2 is on the minus strand). VCF-style: chr20-63494890-T-C. GRCh37 (hg19) VCF-style: chr20-62126243-T-C.
Other names: short protein forms K179R.
Identifiers: ClinVar variation 968948 (VCV000968948.12), dbSNP rs2082409506, ClinGen allele CA409649438.